The following is an entry in ClinVar:

ClinVar aggregate classification (germline): Pathogenic/Likely pathogenic. Review status: criteria provided, multiple submitters, no conflicts (2 of 4 stars). 21 submissions from 21 submitters: Pathogenic (14); Likely pathogenic (3). 4 of the submissions do not count toward it. Last evaluated 2026-09-01.

Conditions:
TSC2-related disorder. Also called: TSC2-related condition; TSC2-Related Disorders.
Tuberous sclerosis 2 (TSC2). Identifiers: Orphanet 805, MedGen C1860707, MONDO:0013199, OMIM 613254.
Lymphangiomyomatosis (LAM). Also called: Lymphangioleiomyomatosis; Lymphangioleiomyomatosis, somatic. Identifiers: Orphanet 538, MedGen C0751674, MONDO:0011705, OMIM 606690.
Isolated focal cortical dysplasia type II (FCORD2). Also called: Focal cortical dysplasia type II; CORTICAL DYSPLASIA OF TAYLOR. Identifiers: Orphanet 268994, MedGen C1846385, MONDO:0011818, OMIM 607341, HP:0032051.
Hereditary cancer-predisposing syndrome. Also called: Neoplastic Syndromes, Hereditary; Tumor predisposition; Hereditary Cancer Syndrome; Hereditary neoplastic syndrome. Identifiers: Orphanet 140162, MedGen C0027672, MeSH D009386, MONDO:0015356.
Tuberous sclerosis syndrome (TSC). Also called: Tuberous Sclerosis Complex; Tuberous sclerosis. Identifiers: Orphanet 805, MedGen C0041341, MONDO:0001734.

Submissions 1 to 13 of 21:

CeGaT Center for Human Genetics Tuebingen
Classification: Pathogenic. Last evaluated: 2026-09-01. Review status: criteria provided, single submitter. Criteria: CeGaT Center For Human Genetics Tuebingen Variant Classification Criteria Version 2. Collection method: clinical testing. Allele origin: germline. Affected: yes. Observed: 2 variant alleles.
Comment: TSC2: PS2, PS4, PM2, PM5, PS3:Moderate, PP4

Dasa
Classification: Pathogenic for Tuberous sclerosis 2. Last evaluated: 2025-12-01. Review status: criteria provided, single submitter. Criteria: DASA Assertion Criteria. Collection method: clinical testing. Allele origin: germline.
Comment: NM_000548.5(TSC2):c.5228G>A (p.Arg1743Gln) introduces an arginine-to-glutamine substitution at a residue with other pathogenic substitutions, supported by functional studies and recurrent observation in individuals with tuberous sclerosis complex (PMID: 18854862). Based on the available data, this variant is classified as pathogenic.

Myriad Genetics, Inc.
Classification: Pathogenic for Tuberous sclerosis 2. Last evaluated: 2025-09-19. Review status: criteria provided, single submitter. Criteria: Myriad Autosomal Dominant, Autosomal Recessive and X-Linked Classification Criteria (2023). Collection method: clinical testing. Allele origin: unknown.
Comment: This variant is considered pathogenic. This variant has been reported in multiple individuals with clinical features of gene-specific disease [PMID: 27406250,16981987, 32461669, 29500070, 30036593]. This variant is expected to disrupt protein structure [Myriad internal data]. Functional studies indicate this variant impacts protein function [PMID: 18854862, 21309039].

Labcorp Genetics (formerly Invitae), Labcorp
Classification: Pathogenic for Tuberous sclerosis 2. Last evaluated: 2025-08-08. Review status: criteria provided, single submitter. Criteria: Invitae Variant Classification Sherloc (09022015). Collection method: clinical testing. Allele origin: germline.
Comment: This sequence change replaces arginine, which is basic and polar, with glutamine, which is neutral and polar, at codon 1743 of the TSC2 protein (p.Arg1743Gln). This variant is not present in population databases (gnomAD no frequency). This missense change has been observed in individual(s) with tuberous sclerosis (PMID: 10732801, 16114042, 18854862, 20165957, 21309039). In at least one individual the variant was observed to be de novo. Invitae Evidence Modeling of clinical and family history, age, sex, and reported ancestry of multiple individuals with this TSC2 variant has been performed. This variant is expected to be pathogenic with a positive predictive value of at least 99%. This is a validated machine learning model that incorporates the clinical features of 1,224,362 individuals referred to our laboratory for TSC2 testing. ClinVar contains an entry for this variant (Variation ID: 49960). Invitae Evidence Modeling of protein sequence and biophysical properties (such as structural, functional, and spatial information, amino acid conservation, physicochemical variation, residue mobility, and thermodynamic stability) has been performed for this missense variant. However, the output from this modeling did not meet the statistical confidence thresholds required to predict the impact of this variant on TSC2 protein function. Experimental studies have shown that this missense change affects TSC2 function (PMID: 18854862, 21309039). This variant disrupts the p.Arg1743 amino acid residue in TSC2. Other variant(s) that disrupt this residue have been determined to be pathogenic (PMID: 10205261, 16981987, 18854862, 25782670). This suggests that this residue is clinically significant, and that variants that disrupt this residue are likely to be disease-causing. For these reasons, this variant has been classified as Pathogenic.

3billion
Classification: Pathogenic for Tuberous sclerosis 2. Last evaluated: 2025-01-18. Review status: criteria provided, single submitter. Criteria: ACMG Guidelines, 2015. Collection method: clinical testing. Allele origin: germline. Affected: yes.
Comment: The variant is not observed in the gnomAD v4.1.0 dataset. Predicted Consequence/Location: Missense variant. The majority of the known disease-causing variants of this gene are variants expected to result in premature termination of the protein. In silico tool predictions suggest damaging effect of the variant on gene or gene product [REVEL: 0.96 (>=0.6, sensitivity 0.68 and specificity 0.92); 3Cnet: 0.99 (>=0.6, sensitivity 0.72 and precision 0.9)]. The same nucleotide change resulting in the same amino acid change has been previously reported as pathogenic/likely pathogenic with strong evidence (ClinVar ID: VCV000049960 /PMID: 10732801 /3billion dataset). The variant has been observed in at least two similarly affected unrelated individuals (PMID: 10732801). Different missense changes at the same codon (p.Arg1743Gly, p.Arg1743Leu, p.Arg1743Pro, p.Arg1743Trp) have been reported as pathogenic/likely pathogenic with strong evidence (ClinVar ID: VCV000049471, VCV000049834, VCV000049961, VCV000065291 /PMID: 10205261, 15798777 /3billion dataset). Therefore, this variant is classified as Pathogenic according to the recommendation of ACMG/AMP guideline.

Department of Pathology and Laboratory Medicine, Sinai Health System
Classification: Pathogenic for Lymphangiomyomatosis; Isolated focal cortical dysplasia type II; Tuberous sclerosis 2. Last evaluated: 2022-12-19. Review status: criteria provided, single submitter. Criteria: ACMG Guidelines, 2015. Collection method: clinical testing. Allele origin: germline.

Mayo Clinic Laboratories, Mayo Clinic
Classification: Pathogenic. Last evaluated: 2022-12-08. Review status: criteria provided, single submitter. Criteria: ACMG Guidelines, 2015. Collection method: clinical testing. Allele origin: germline. Observed: 3 variant alleles.
Comment: PP3, PP4, PM2, PM5, PS3, PS4

GeneDx
Classification: Pathogenic. Last evaluated: 2022-09-19. Review status: criteria provided, single submitter. Criteria: GeneDx Variant Classification Process June 2021. Collection method: clinical testing. Allele origin: germline. Affected: yes.
Comment: Published functional studies demonstrate that R1743Q disrupts the TSC1-TSC2 complex (Coevoets et al., 2009; Hoogeveen-Westerveld et al., 2011); In silico analysis supports that this missense variant has a deleterious effect on protein structure/function; Not observed at significant frequency in large population cohorts (gnomAD); This variant is associated with the following publications: (PMID: 16981987, 22867869, 20165957, 18854862, 21309039, 10732801, 27406250, 16237225, 16114042, 17304050, 29801666, 30036593, 29655203, 31847710, 32555378, 32211034, 31447099, 33935721, 33532864, 34403804)

Genome-Nilou Lab
Classification: Likely pathogenic for Tuberous sclerosis 2. Last evaluated: 2021-11-07. Review status: criteria provided, single submitter. Criteria: ACMG Guidelines, 2015. Collection method: clinical testing. Allele origin: germline. Affected: no.

Division of Genomic Medicine, Department of Advanced Medicine, Medical Research Institute, Kanazawa Medical University
Classification: Pathogenic for Tuberous sclerosis 2. Last evaluated: 2020-07-10. Review status: criteria provided, single submitter. Criteria: ACMG Guidelines, 2015. Collection method: clinical testing. Allele origin: germline. Affected: yes. Observed: 2 variant alleles.

Athena Diagnostics
Classification: Pathogenic. Last evaluated: 2020-06-02. Review status: criteria provided, single submitter. Criteria: Athena Diagnostics Criteria. Collection method: clinical testing. Allele origin: unknown.
Comment: Predicted to have a damaging effect on the protein. Assessment of experimental evidence suggests this variant results in abnormal protein function. 2 de novo cases with parental identity confirmed, plus 2 unconfirmed cases.

Molecular Biology Laboratory, Fundació Puigvert
Classification: Likely pathogenic for Tuberous sclerosis 2. Last evaluated: 2020-02-01. Review status: criteria provided, single submitter. Criteria: ACMG Guidelines, 2015. Collection method: research. Allele origin: germline. Affected: yes. Study: KidneyPanel_2020.

Blueprint Genetics
Classification: Pathogenic for TSC2-related disorders. Last evaluated: 2020-01-31. Review status: criteria provided, single submitter. Criteria: ACMG Guidelines, 2015. Collection method: clinical testing. Allele origin: germline. Affected: yes. Observed: 2 variant alleles.

NM_000548.5(TSC2):c.5228G>A (p.Arg1743Gln)

Gene: TSC2 (TSC complex subunit 2; plus strand). Cytogenetic location: 16p13.3.
Variant type: single nucleotide variant.
Coding change: c.5228G>A on transcript NM_000548.5 (MANE Select); coding-DNA position 5228, G replaced by A.
Protein change: p.Arg1743Gln; replaces arginine 1743 with glutamine.
Molecular consequence: missense variant.
Genome position (GRCh38, 1-based): chr16:2,088,294, G>A. VCF-style: chr16-2088294-G-A. GRCh37 (hg19) VCF-style: chr16-2138295-G-A.
Other names: p.R1743Q:CGG>CAG; c.5027G>A, p.Arg1676Gln (NM_001077183.3); c.5159G>A, p.Arg1720Gln (NM_001114382.3); c.4919G>A, p.Arg1640Gln (NM_001318827.2); c.4883G>A, p.Arg1628Gln (NM_001318829.2); c.4496G>A, p.Arg1499Gln (NM_001318831.2); c.5060G>A, p.Arg1687Gln (NM_001318832.2); c.5030G>A, p.Arg1677Gln (NM_001363528.2); and 4 more; short protein forms R1743Q, R1687Q, R1700Q, R1696Q, R1699Q, R1677Q, R1720Q, R1499Q.
Identifiers: ClinVar variation 49960 (VCV000049960.74), dbSNP rs45507199, ClinGen allele CA022218.